The following is an entry in ClinVar:

NM_000143.4(FH):c.893C>G (p.Ala298Gly)

Gene: FH (fumarate hydratase; minus strand). Cytogenetic location: 1q43.
Variant type: single nucleotide variant.
Coding change: c.893C>G on transcript NM_000143.4 (MANE Select); coding-DNA position 893, C replaced by G.
Protein change: p.Ala298Gly; replaces alanine 298 with glycine.
Molecular consequence: missense variant.
Genome position (GRCh38, 1-based): chr1:241,506,014, G>C on the plus strand (C>G on the coding strand, the complement: FH is on the minus strand). VCF-style: chr1-241506014-G-C. GRCh37 (hg19) VCF-style: chr1-241669314-G-C.
Other names: short protein forms A298G.
Identifiers: ClinVar variation 644253 (VCV000644253.13), dbSNP rs1573881563, ClinGen allele CA345438793.
Genomic context (GRCh38, chr1:241,506,014, plus strand): 5'-CACGTATAATGAGAAATGAAAATGAGAAATAATTCACGTGATCACTAACCTGTAAGTGCA[G>C]CCACTTTTGCAGCAACCTTTTCTGCAAAGCCAATTCTAGTATTTAAACCTGTACCAACAG-3'
Protein context (NP_000134.2, residues 288-308): GFAEKVAAKV[Ala298Gly]ALTGLPFVTA

ClinVar aggregate classification (germline): Conflicting classifications of pathogenicity. Review status: criteria provided, conflicting classifications (1 of 4 stars). 2 submissions from 2 submitters: Likely pathogenic (1); Uncertain significance (1). Last evaluated 2026-01-26.

Conditions:
Hereditary cancer-predisposing syndrome. Also called: Neoplastic Syndromes, Hereditary; Tumor predisposition; Hereditary neoplastic syndrome; Hereditary Cancer Syndrome. Identifiers: Orphanet 140162, MedGen C0027672, MeSH D009386, MONDO:0015356.

Allele frequency attached by ClinVar (database versions not stated): gnomAD exomes below 0.00001.
gnomAD v4.1: 3 of 1,613,906 alleles (0.00019%); highest among the groups gnomAD compares: Non-Finnish European, 0.00025%; no homozygotes.

Submissions (2):

Labcorp Genetics (formerly Invitae), Labcorp
Classification: Likely pathogenic. Last evaluated: 2026-01-26. Review status: criteria provided, single submitter. Criteria: Invitae Variant Classification Sherloc (09022015). Collection method: clinical testing. Allele origin: germline.
Comment: This sequence change replaces alanine, which is neutral and non-polar, with glycine, which is neutral and non-polar, at codon 298 of the FH protein (p.Ala298Gly). This variant is not present in population databases (gnomAD no frequency). This variant has not been reported in the literature in individuals affected with FH-related conditions. ClinVar contains an entry for this variant (Variation ID: 644253). Invitae Evidence Modeling of protein sequence and biophysical properties (such as structural, functional, and spatial information, amino acid conservation, physicochemical variation, residue mobility, and thermodynamic stability) indicates that this missense variant is expected to disrupt FH protein function with a positive predictive value of 95%. This variant disrupts the p.Ala298 amino acid residue in FH. Other variant(s) that disrupt this residue have been determined to be pathogenic (PMID: 22764886; internal data). This suggests that this residue is clinically significant, and that variants that disrupt this residue are likely to be disease-causing. In summary, the currently available evidence indicates that the variant is pathogenic, but additional data are needed to prove that conclusively. Therefore, this variant has been classified as Likely Pathogenic.

Ambry Genetics
Classification: Uncertain significance for Hereditary cancer-predisposing syndrome. Last evaluated: 2025-06-24. Review status: criteria provided, single submitter. Criteria: Ambry Variant Classification Scheme 2023. Collection method: clinical testing. Allele origin: germline.
Comment: The p.A298G variant (also known as c.893C>G), located in coding exon 6 of the FH gene, results from a C to G substitution at nucleotide position 893. The alanine at codon 298 is replaced by glycine, an amino acid with similar properties. This amino acid position is not well conserved in available vertebrate species. In addition, this alteration is predicted to be deleterious by in silico analysis. Based on the available evidence, the clinical significance of this variant remains unclear.

Literature cited by the submitters: PubMed 22764886 (cited by Labcorp Genetics (formerly Invitae), Labcorp).